The following is an entry in ClinVar:

ClinVar aggregate classification (germline): Pathogenic (1 of 4 stars; one submission).

Conditions:
Progressive myoclonic epilepsy type 3. Also called: KCTD7-Related Progressive Myoclonic Epilepsy; EPILEPSY, PROGRESSIVE MYOCLONIC, 3, WITH OR WITHOUT INTRACELLULAR INCLUSIONS; CEROID LIPOFUSCINOSIS, NEURONAL, 14; EPILEPSY, PROGRESSIVE MYOCLONIC, 3, WITHOUT INTRACELLULAR INCLUSIONS. Identifiers: Orphanet 263516, MedGen C2673257, MONDO:0012721, OMIM 611726.

Submission:

Labcorp Genetics (formerly Invitae), Labcorp
Classification: Pathogenic for Epilepsy, progressive myoclonic 3. Last evaluated: 2019-10-29. Review status: criteria provided, single submitter. Criteria: Invitae Variant Classification Sherloc (09022015). Collection method: clinical testing. Allele origin: germline.
Comment: A gross deletion of the genomic region encompassing the full coding sequence of the KCTD7 gene has been identified. The boundaries of this event are unknown as the deletion extends beyond the assayed region for this gene and therefore may encompass additional genes. This variant has not been reported in the literature in individuals with KCTD7-related conditions. Loss-of-function variants in KCTD7 are known to be pathogenic (PMID: 22693283). For these reasons, this variant has been classified as Pathogenic.

NC_000007.14:g.(?_66629045)_(66640414_?)del

Gene: KCTD7 (potassium channel tetramerization domain containing 7; plus strand). Cytogenetic location: 7q11.21.
Variant type: Deletion.
Identifiers: ClinVar variation 831752 (VCV000831752.1).